The following is an entry in ClinVar:

NM_000206.3(IL2RG):c.484C>G (p.Leu162Val)

Gene: IL2RG (interleukin 2 receptor subunit gamma; minus strand). Cytogenetic location: Xq13.1.
Variant type: single nucleotide variant.
Coding change: c.484C>G on transcript NM_000206.3 (MANE Select); coding-DNA position 484, C replaced by G.
Protein change: p.Leu162Val; replaces leucine 162 with valine.
Molecular consequence: missense variant.
Genome position (GRCh38, 1-based): chrX:71,110,266, G>C on the plus strand (C>G on the coding strand, the complement: IL2RG is on the minus strand). VCF-style: chrX-71110266-G-C. GRCh37 (hg19) VCF-style: chrX-70330116-G-C.
Other names: short protein forms L162V.
Identifiers: ClinVar variation 1301872 (VCV001301872.9), dbSNP rs2147749821, ClinGen allele CA413496448.
Genomic context (GRCh38, chrX:71,110,266, plus strand): 5'-AGTGGTTCAAGAATCTGTTGTTCCAGTTCAGTTCTAGCTGGGATTCACTCAGTTTGTGAA[G>C]TGTTAGGTTCTCTGGAGCCCAGGGGATCACTGGAGATATGTGTGCATATGTGGTCATTCC-3'
Protein context (NP_000197.1, residues 152-172): VIPWAPENLT[Leu162Val]HKLSESQLEL

ClinVar aggregate classification (germline): Uncertain significance. Review status: criteria provided, multiple submitters, no conflicts (2 of 4 stars). 3 submissions from 3 submitters: Uncertain significance (3). Last evaluated 2023-06-30.

Conditions:
Combined immunodeficiency, X-linked (CIDX). Also called: IMMUNODEFICIENCY 6. Identifiers: MedGen C6022467, MONDO:0010730, OMIM 312863.
X-linked severe combined immunodeficiency (SCIDX1). Also called: IMMUNODEFICIENCY 4; SCID, X-LINKED; SEVERE COMBINED IMMUNODEFICIENCY, X-LINKED, T CELL-NEGATIVE, B CELL-POSITIVE, NK CELL-NEGATIVE; T-B+ severe combined immunodeficiency due to gamma chain deficiency; X-Linked Combined Immunodeficiency Diseases. Identifiers: Orphanet 276, MedGen C6022468, MONDO:0010315, OMIM 300400. Disease mechanism: loss of function.

Submissions (3):

Women's Health and Genetics/Laboratory Corporation of America, LabCorp
Classification: Uncertain significance. Last evaluated: 2023-06-30. Review status: criteria provided, single submitter. Criteria: LabCorp Variant Classification Summary - May 2015. Collection method: clinical testing. Allele origin: germline.

Labcorp Genetics (formerly Invitae), Labcorp
Classification: Uncertain significance for X-linked severe combined immunodeficiency. Last evaluated: 2022-07-05. Review status: criteria provided, single submitter. Criteria: Invitae Variant Classification Sherloc (09022015). Collection method: clinical testing. Allele origin: germline.
Comment: In summary, the available evidence is currently insufficient to determine the role of this variant in disease. Therefore, it has been classified as a Variant of Uncertain Significance. This variant disrupts the p.Leu162 amino acid residue in IL2RG. Other variant(s) that disrupt this residue have been determined to be pathogenic (PMID: 9633906, 10794431; Invitae). This suggests that this residue is clinically significant, and that variants that disrupt this residue are likely to be disease-causing. Advanced modeling of protein sequence and biophysical properties (such as structural, functional, and spatial information, amino acid conservation, physicochemical variation, residue mobility, and thermodynamic stability) performed at Invitae indicates that this missense variant is not expected to disrupt IL2RG protein function. ClinVar contains an entry for this variant (Variation ID: 1301872). This variant has not been reported in the literature in individuals affected with IL2RG-related conditions. This variant is not present in population databases (gnomAD no frequency). This sequence change replaces leucine, which is neutral and non-polar, with valine, which is neutral and non-polar, at codon 162 of the IL2RG protein (p.Leu162Val).

Rady Children's Institute for Genomic Medicine, Rady Children's Hospital San Diego
Classification: Uncertain significance for COMBINED IMMUNODEFICIENCY, X-LINKED. Review status: criteria provided, single submitter. Criteria: ACMG Guidelines, 2015. Collection method: clinical testing. Allele origin: germline. Affected: yes. Study: CSER-NYCKidSeq.
Comment: This variant has not been previously reported or functionally characterized in the literature to our knowledge. However, a different amnio acid change at the same residue (p.Leu162Arg) has been previously reported in multiple individuals with X-linked severe combined immunodeficiency (PMID: 9633906, 10794431). The c.484C>G (p.Leu162Val) variant is located in a well-established functional domain that is intolerant to benign variation (PMID: 7668284). It is absent from the gnomAD population database and thus is presumed to be rare. The c.484C>G (p.Leu162Val) variant is predicted by multiple in silico tools to have a benign effect on protein function. Based on the available evidence, the c.484C>G (p.Leu162Val) variant is classified as Variant of Uncertain Significance.

Literature cited by the submitters: PubMed 9633906 (cited by Labcorp Genetics (formerly Invitae), Labcorp); PubMed 10794431 (cited by Labcorp Genetics (formerly Invitae), Labcorp).